The following is an entry in ClinVar:

ClinVar aggregate classification (germline): Uncertain significance (1 of 4 stars; one submission).

gnomAD v4.1: 1 of 1,613,290 alleles (0.000062%); highest among the groups gnomAD compares: Non-Finnish European, 0.000085%; no homozygotes.

Submission:

GeneDx
Classification: Uncertain significance. Last evaluated: 2022-06-22. Review status: criteria provided, single submitter. Criteria: GeneDx Variant Classification Process June 2021. Collection method: clinical testing. Allele origin: germline. Affected: yes.
Comment: Not observed at significant frequency in large population cohorts (gnomAD); Nonsense variant predicted to result in protein truncation or nonsense mediated decay in a gene or region of a gene for which loss of function is not a well-established mechanism of disease; Has not been previously published as pathogenic or benign to our knowledge

NM_001394062.1(MACF1):c.13654C>T (p.Arg4552Ter)

Gene: MACF1 (microtubule actin crosslinking factor 1; plus strand). Cytogenetic location: 1p34.3.
Variant type: single nucleotide variant.
Coding change: c.13654C>T on transcript NM_001394062.1 (MANE Select); coding-DNA position 13654, C replaced by T.
Protein change: p.Arg4552Ter; replaces arginine 4552 with a stop codon.
Molecular consequence: nonsense.
Genome position (GRCh38, 1-based): chr1:39,381,958, C>T. VCF-style: chr1-39381958-C-T. GRCh37 (hg19) VCF-style: chr1-39847630-C-T.
Other names: c.7468C>T, p.Arg2490Ter (NM_012090.5); short protein forms R2490*, R4552*.
Identifiers: ClinVar variation 1806630 (VCV001806630.1), dbSNP rs1234079000, ClinGen allele CA339832411.
Genomic context (GRCh38, chr1:39,381,958, plus strand): 5'-CCAGGCCAGTTGTTGATAATGTAAAGGAATACATTCCCTCATTTCCTCTCTACAGATTCC[C>T]GATGGGAAAGGGCCACTGAGGTTACTGTGGCTCGGCAAAGGCAGCTAGAGGAATCTGCAA-3'